The following is an entry in ClinVar:

ClinVar aggregate classification (germline): Uncertain significance (1 of 4 stars; one submission).

Conditions:
Spastic paraplegia. Identifiers: MedGen C0037772, HP:0001258.

Allele frequency attached by ClinVar (database versions not stated): gnomAD exomes below 0.00001; gnomAD 0.00004; ESP Exome Variant Server 0.00008; TOPMed 0.00008.
gnomAD v4.1: 7 of 1,613,520 alleles (0.00043%); highest among the groups gnomAD compares: African/African-American, 0.0093%; no homozygotes.

Submission:

Labcorp Genetics (formerly Invitae), Labcorp
Classification: Uncertain significance for Spastic paraplegia. Last evaluated: 2021-08-07. Review status: criteria provided, single submitter. Criteria: Invitae Variant Classification Sherloc (09022015). Collection method: clinical testing. Allele origin: germline.
Comment: This sequence change replaces asparagine with histidine at codon 205 of the CYP7B1 protein (p.Asn205His). The asparagine residue is weakly conserved and there is a small physicochemical difference between asparagine and histidine. This variant is not present in population databases (ExAC no frequency). This variant has not been reported in the literature in individuals affected with CYP7B1-related conditions. Algorithms developed to predict the effect of missense changes on protein structure and function are either unavailable or do not agree on the potential impact of this missense change (SIFT: "Tolerated"; PolyPhen-2: "Possibly Damaging"; Align-GVGD: "Class C0"). In summary, the available evidence is currently insufficient to determine the role of this variant in disease. Therefore, it has been classified as a Variant of Uncertain Significance.

NM_004820.5(CYP7B1):c.613A>C (p.Asn205His)

Gene: CYP7B1 (cytochrome P450 family 7 subfamily B member 1; minus strand). Cytogenetic location: 8q12.3.
Variant type: single nucleotide variant.
Coding change: c.613A>C on transcript NM_004820.5 (MANE Select); coding-DNA position 613, A replaced by C.
Protein change: p.Asn205His; replaces asparagine 205 with histidine.
Molecular consequence: missense variant.
Genome position (GRCh38, 1-based): chr8:64,615,928, T>G on the plus strand (A>C on the coding strand, the complement: CYP7B1 is on the minus strand). VCF-style: chr8-64615928-T-G. GRCh37 (hg19) VCF-style: chr8-65528485-T-G.
Other names: c.613A>C, p.Asn205His (NM_001324112.2); short protein forms N205H.
Identifiers: ClinVar variation 1418191 (VCV001418191.3), dbSNP rs137880436, ClinGen allele CA178389639.
Genomic context (GRCh38, chr8:64,615,928, plus strand): 5'-ATGCAAACTTGTCATCAAATTTTAAAAAATCATCTCTTAGCTCACTAATAAATTTGTTGT[T>G]GTCACAAACAATAACTTTTCCATATATAGTTGTAAATGTGATCTCAAATATTATTGAGCT-3'
Protein context (NP_004811.1, residues 195-215): TIYGKVIVCD[Asn205His]NKFISELRDD